The following is an entry in ClinVar:

ClinVar aggregate classification (germline): Uncertain significance. Review status: criteria provided, multiple submitters, no conflicts (2 of 4 stars). 2 submissions from 2 submitters: Uncertain significance (2). Last evaluated 2025-11-19.

Conditions:
Inborn genetic diseases. Identifiers: MedGen C0950123, MeSH D030342.

Allele frequency attached by ClinVar (database versions not stated): gnomAD 0.00001; gnomAD exomes 0.00001; TOPMed 0.00002.

Submissions (2):

Ambry Genetics
Classification: Uncertain significance for Inborn genetic diseases. Last evaluated: 2025-11-19. Review status: criteria provided, single submitter. Criteria: Ambry Variant Classification Scheme 2023. Collection method: clinical testing. Allele origin: germline.

Labcorp Genetics (formerly Invitae), Labcorp
Classification: Uncertain significance. Last evaluated: 2022-03-26. Review status: criteria provided, single submitter. Criteria: Invitae Variant Classification Sherloc (09022015). Collection method: clinical testing. Allele origin: germline.
Comment: This sequence change replaces serine, which is neutral and polar, with phenylalanine, which is neutral and non-polar, at codon 95 of the SEC24D protein (p.Ser95Phe). In summary, the available evidence is currently insufficient to determine the role of this variant in disease. Therefore, it has been classified as a Variant of Uncertain Significance. Algorithms developed to predict the effect of missense changes on protein structure and function are either unavailable or do not agree on the potential impact of this missense change (SIFT: "Not Available"; PolyPhen-2: "Benign"; Align-GVGD: "Not Available"). This variant has not been reported in the literature in individuals affected with SEC24D-related conditions. This variant is present in population databases (no rsID available, gnomAD 0.0009%).

NM_014822.4(SEC24D):c.284C>T (p.Ser95Phe)

Gene: SEC24D (SEC24 homolog D, COPII component; minus strand). Cytogenetic location: 4q26.
Variant type: single nucleotide variant.
Coding change: c.284C>T on transcript NM_014822.4 (MANE Select); coding-DNA position 284, C replaced by T.
Protein change: p.Ser95Phe; replaces serine 95 with phenylalanine.
Molecular consequence: missense variant.
Genome position (GRCh38, 1-based): chr4:118,817,377, G>A on the plus strand (C>T on the coding strand, the complement: SEC24D is on the minus strand). VCF-style: chr4-118817377-G-A. GRCh37 (hg19) VCF-style: chr4-119738532-G-A.
Other names: c.284C>T (NM_014822.2); c.284C>T, p.Ser95Phe (NM_001318066.2); short protein forms S95F.
Identifiers: ClinVar variation 1961182 (VCV001961182.6), dbSNP rs1254746170, ClinGen allele CA358016496.